The following is an entry in ClinVar:

NM_000051.4(ATM):c.5207G>A (p.Cys1736Tyr)

Gene: ATM (ATM serine/threonine kinase; plus strand). Cytogenetic location: 11q22.3.
Variant type: single nucleotide variant.
Coding change: c.5207G>A on transcript NM_000051.4 (MANE Select); coding-DNA position 5207, G replaced by A.
Protein change: p.Cys1736Tyr; replaces cysteine 1736 with tyrosine.
Molecular consequence: missense variant.
Genome position (GRCh38, 1-based): chr11:108,301,677, G>A. VCF-style: chr11-108301677-G-A. GRCh37 (hg19) VCF-style: chr11-108172404-G-A.
Other names: c.5207G>A, p.Cys1736Tyr (NM_001351834.2); short protein forms C1736Y.
Identifiers: ClinVar variation 854949 (VCV000854949.9), dbSNP rs1172318140, ClinGen allele CA382542225.
Genomic context (GRCh38, chr11:108,301,677, plus strand): 5'-ACTTGATAGGCATTTGAATTGTTTTTTTCAGTGTCAAAGTTCGATCAGCAGCTGTTACCT[G>A]TTTGAAAAACATTTTAGCCACAAAGACTGGACATAGTTTCTGGGAGATTTATAAGATGAC-3'
Protein context (NP_000042.3, residues 1726-1746): CVKVRSAAVT[Cys1736Tyr]LKNILATKTG

ClinVar aggregate classification (germline): Uncertain significance (1 of 4 stars; one submission).

Conditions:
Ataxia-telangiectasia syndrome (AT). Also called: Ataxia telangiectasia (A-T); Cerebello-oculocutaneous telangiectasia; Immunodeficiency with ataxia telangiectasia; AT, COMPLEMENTATION GROUP C; ATAXIA-TELANGIECTASIA, COMPLEMENTATION GROUP A; ATAXIA-TELANGIECTASIA, FRESNO VARIANT. Identifiers: Orphanet 100, MedGen C0004135, MONDO:0008840, OMIM 208900.

Allele frequency attached by ClinVar (database versions not stated): gnomAD exomes below 0.00001.
gnomAD v4.1: 1 of 1,613,614 alleles (0.000062%); highest among the groups gnomAD compares: East Asian, 0.0022%; no homozygotes.

Submission:

Labcorp Genetics (formerly Invitae), Labcorp
Classification: Uncertain significance for Ataxia-telangiectasia syndrome. Last evaluated: 2019-03-27. Review status: criteria provided, single submitter. Criteria: Invitae Variant Classification Sherloc (09022015). Collection method: clinical testing. Allele origin: germline.
Comment: In summary, the available evidence is currently insufficient to determine the role of this variant in disease. Therefore, it has been classified as a Variant of Uncertain Significance. Algorithms developed to predict the effect of missense changes on protein structure and function (SIFT, PolyPhen-2, Align-GVGD) all suggest that this variant is likely to be disruptive, but these predictions have not been confirmed by published functional studies and their clinical significance is uncertain. This variant has not been reported in the literature in individuals with ATM-related conditions. This variant is not present in population databases (ExAC no frequency). This sequence change replaces cysteine with tyrosine at codon 1736 of the ATM protein (p.Cys1736Tyr). The cysteine residue is highly conserved and there is a large physicochemical difference between cysteine and tyrosine.